The following is an entry in ClinVar:

NM_015231.3(NUP160):c.1075C>G (p.Gln359Glu)

Gene: NUP160 (nucleoporin 160; minus strand). Cytogenetic location: 11p11.2.
Variant type: single nucleotide variant.
Coding change: c.1075C>G on transcript NM_015231.3 (MANE Select); coding-DNA position 1075, C replaced by G.
Protein change: p.Gln359Glu; replaces glutamine 359 with glutamic acid.
Molecular consequence: missense variant. On other transcripts: non-coding transcript variant (1).
Genome position (GRCh38, 1-based): chr11:47,822,089, G>C on the plus strand (C>G on the coding strand, the complement: NUP160 is on the minus strand). VCF-style: chr11-47822089-G-C. GRCh37 (hg19) VCF-style: chr11-47843641-G-C.
Other names: short protein forms Q359E.
Identifiers: ClinVar variation 4761056 (VCV004761056.1).

ClinVar aggregate classification (germline): Uncertain significance (1 of 4 stars; one submission).

gnomAD v4.1: 6 of 1,597,504 alleles (0.00038%); highest among the groups gnomAD compares: Middle Eastern, 0.017%; no homozygotes.

Submission:

Labcorp Genetics (formerly Invitae), Labcorp
Classification: Uncertain significance. Last evaluated: 2025-06-30. Review status: criteria provided, single submitter. Criteria: Invitae Variant Classification Sherloc (09022015). Collection method: clinical testing. Allele origin: germline.
Comment: This sequence change replaces glutamine, which is neutral and polar, with glutamic acid, which is acidic and polar, at codon 393 of the NUP160 protein (p.Gln393Glu). This variant is present in population databases (no rsID available, gnomAD 0.006%). This variant has not been reported in the literature in individuals affected with NUP160-related conditions. An algorithm developed to predict the effect of missense changes on protein structure and function (PolyPhen-2) suggests that this variant is likely to be disruptive. In summary, the available evidence is currently insufficient to determine the role of this variant in disease. Therefore, it has been classified as a Variant of Uncertain Significance.